The following is an entry in ClinVar:

ClinVar aggregate classification (germline): Uncertain significance (1 of 4 stars; one submission).

Conditions:
Charcot-Marie-Tooth disease type 2. Also called: Charcot-Marie-Tooth type 2. Identifiers: Orphanet 64746, MedGen C0270914, MONDO:0018993.

Submission:

Labcorp Genetics (formerly Invitae), Labcorp
Classification: Uncertain significance for Charcot-Marie-Tooth disease type 2. Last evaluated: 2021-07-31. Review status: criteria provided, single submitter. Criteria: Invitae Variant Classification Sherloc (09022015). Collection method: clinical testing. Allele origin: germline.
Comment: In summary, the available evidence is currently insufficient to determine the role of this variant in disease. Therefore, it has been classified as a Variant of Uncertain Significance. Algorithms developed to predict the effect of missense changes on protein structure and function are either unavailable or do not agree on the potential impact of this missense change (SIFT: "Deleterious"; PolyPhen-2: "Probably Damaging"; Align-GVGD: "Class C0"). This variant has not been reported in the literature in individuals affected with AARS-related conditions. This variant is not present in population databases (ExAC no frequency). This sequence change replaces valine with methionine at codon 841 of the AARS protein (p.Val841Met). The valine residue is highly conserved and there is a small physicochemical difference between valine and methionine.

NM_001605.3(AARS1):c.2521G>A (p.Val841Met)

Gene: AARS1 (alanyl-tRNA synthetase 1; minus strand). Cytogenetic location: 16q22.1.
Variant type: single nucleotide variant.
Coding change: c.2521G>A on transcript NM_001605.3 (MANE Select); coding-DNA position 2521, G replaced by A.
Protein change: p.Val841Met; replaces valine 841 with methionine.
Molecular consequence: missense variant.
Genome position (GRCh38, 1-based): chr16:70,253,800, C>T on the plus strand (G>A on the coding strand, the complement: AARS1 is on the minus strand). VCF-style: chr16-70253800-C-T. GRCh37 (hg19) VCF-style: chr16-70287703-C-T.
Other names: short protein forms V841M.
Identifiers: ClinVar variation 1682112 (VCV001682112.6), dbSNP rs1377534422, ClinGen allele CA396555102.